The following is an entry in ClinVar:

ClinVar aggregate classification (germline): Pathogenic (1 of 4 stars; one submission).

Allele frequency attached by ClinVar (database versions not stated): TOPMed below 0.00001.

Submission:

Labcorp Genetics (formerly Invitae), Labcorp
Classification: Pathogenic. Last evaluated: 2020-12-04. Review status: criteria provided, single submitter. Criteria: Invitae Variant Classification Sherloc (09022015). Collection method: clinical testing. Allele origin: germline.
Comment: For these reasons, this variant has been classified as Pathogenic. This variant has not been reported in the literature in individuals with MTTP-related conditions. This variant is not present in population databases (ExAC no frequency). This sequence change creates a premature translational stop signal (p.Gly200*) in the MTTP gene. It is expected to result in an absent or disrupted protein product. Loss-of-function variants in MTTP are known to be pathogenic (PMID: 8533758, 9671739).

Literature cited by the submitters: PubMed 8533758; PubMed 9671739.

NM_001386140.1(MTTP):c.598G>T (p.Gly200Ter)

Gene: MTTP (microsomal triglyceride transfer protein; plus strand). Cytogenetic location: 4q23.
Variant type: single nucleotide variant.
Coding change: c.598G>T on transcript NM_001386140.1 (MANE Select); coding-DNA position 598, G replaced by T.
Protein change: p.Gly200Ter; replaces glycine 200 with a stop codon.
Molecular consequence: nonsense.
Genome position (GRCh38, 1-based): chr4:99,591,331, G>T. VCF-style: chr4-99591331-G-T. GRCh37 (hg19) VCF-style: chr4-100512488-G-T.
Other names: c.598G>T, p.Gly200Ter (NM_000253.4); c.349G>T, p.Gly117Ter (NM_001300785.2); short protein forms G117*, G200*.
Identifiers: ClinVar variation 1356942 (VCV001356942.6), dbSNP rs1717552752, ClinGen allele CA357504653.